The following is an entry in ClinVar:

ClinVar aggregate classification (germline): Uncertain significance. Review status: criteria provided, multiple submitters, no conflicts (2 of 4 stars). 3 submissions from 3 submitters: Uncertain significance (3). Last evaluated 2024-01-19.

Conditions:
Cardiovascular phenotype. Identifiers: MedGen CN230736.
Hereditary cancer-predisposing syndrome. Also called: Hereditary neoplastic syndrome; Neoplastic Syndromes, Hereditary; Tumor predisposition; Hereditary Cancer Syndrome. Identifiers: Orphanet 140162, MedGen C0027672, MeSH D009386, MONDO:0015356.
Neurofibromatosis, familial spinal (FSNF). Identifiers: Orphanet 636, MedGen C1834235, MONDO:0008078, OMIM 162210. Disease mechanism: loss of function.
Café-au-lait macules with pulmonary stenosis (WTSN). Also called: PULMONIC STENOSIS WITH CAFE-AU-LAIT SPOTS. Identifiers: MedGen C0553586, MONDO:0008672, OMIM 193520.
Neurofibromatosis-Noonan syndrome (NFNS). Also called: NEUROFIBROMATOSIS WITH NOONAN PHENOTYPE. Identifiers: Orphanet 638, MedGen C2931482, MONDO:0011035, OMIM 601321. Disease mechanism: loss of function.
Juvenile myelomonocytic leukemia (JMML). Also called: LEUKEMIA, JUVENILE MYELOMONOCYTIC, SOMATIC. Identifiers: Orphanet 86834, MedGen C0349639, MONDO:0011908, OMIM 607785, HP:0012209.
Neurofibromatosis, type 1 (NF1). Also called: VON RECKLINGHAUSEN DISEASE; Neurofibromatosis, type I; NEUROFIBROMATOSIS, TYPE I, SOMATIC; Peripheral type neurofibromatosis. Identifiers: Orphanet 636, MedGen C0027831, MONDO:0018975, OMIM 162200. Disease mechanism: loss of function.

Allele frequency attached by ClinVar (database versions not stated): gnomAD 0.00001; TOPMed 0.00001.
gnomAD v4.1: 1 of 1,613,110 alleles (0.000062%); highest among the groups gnomAD compares: Admixed American, 0.0017%; no homozygotes.

Submissions (3):

Fulgent Genetics
Classification: Uncertain significance for Neurofibromatosis, type 1; Neurofibromatosis, familial spinal; Café-au-lait macules with pulmonary stenosis; Neurofibromatosis-Noonan syndrome; Juvenile myelomonocytic leukemia. Last evaluated: 2024-01-19. Review status: criteria provided, single submitter. Criteria: ACMG Guidelines, 2015. Collection method: clinical testing. Allele origin: germline.

Labcorp Genetics (formerly Invitae), Labcorp
Classification: Uncertain significance for Neurofibromatosis, type 1. Last evaluated: 2023-02-24. Review status: criteria provided, single submitter. Criteria: Invitae Variant Classification Sherloc (09022015). Collection method: clinical testing. Allele origin: germline.
Comment: In summary, the available evidence is currently insufficient to determine the role of this variant in disease. Therefore, it has been classified as a Variant of Uncertain Significance. Advanced modeling of protein sequence and biophysical properties (such as structural, functional, and spatial information, amino acid conservation, physicochemical variation, residue mobility, and thermodynamic stability) performed at Invitae indicates that this missense variant is not expected to disrupt NF1 protein function. This variant has not been reported in the literature in individuals affected with NF1-related conditions. This variant is not present in population databases (gnomAD no frequency). This sequence change replaces glutamine, which is neutral and polar, with histidine, which is basic and polar, at codon 2413 of the NF1 protein (p.Gln2413His).

Ambry Genetics
Classification: Uncertain significance for Cardiovascular phenotype; Hereditary cancer-predisposing syndrome. Last evaluated: 2021-11-01. Review status: criteria provided, single submitter. Criteria: Ambry Variant Classification Scheme 2023. Collection method: clinical testing. Allele origin: germline.
Comment: The p.Q2413H variant (also known as c.7239G>C), located in coding exon 48 of the NF1 gene, results from a G to C substitution at nucleotide position 7239. The glutamine at codon 2413 is replaced by histidine, an amino acid with highly similar properties. This amino acid position is highly conserved in available vertebrate species. In addition, this alteration is predicted to be tolerated by in silico analysis. Since supporting evidence is limited at this time, the clinical significance of this alteration remains unclear.

NM_001042492.3(NF1):c.7302G>C (p.Gln2434His)

Gene: NF1 (neurofibromin 1; plus strand). Cytogenetic location: 17q11.2.
Variant type: single nucleotide variant.
Coding change: c.7302G>C on transcript NM_001042492.3 (MANE Select); coding-DNA position 7302, G replaced by C.
Protein change: p.Gln2434His; replaces glutamine 2434 with histidine.
Molecular consequence: missense variant.
Genome position (GRCh38, 1-based): chr17:31,349,232, G>C. VCF-style: chr17-31349232-G-C. GRCh37 (hg19) VCF-style: chr17-29676250-G-C.
Other names: c.7239G>C, p.Gln2413His (NM_000267.4); short protein forms Q2434H, Q2413H.
Identifiers: ClinVar variation 2802251 (VCV002802251.5), dbSNP rs766714610, ClinGen allele CA399016890.